The following is an entry in ClinVar:

ClinVar aggregate classification (germline): Uncertain significance. Review status: criteria provided, multiple submitters, no conflicts (2 of 4 stars). 3 submissions from 3 submitters: Uncertain significance (3). Last evaluated 2026-01-12.

Conditions:
Neurogenic scapuloperoneal syndrome, Kaeser type (SCPNK). Also called: KAESER SYNDROME. Identifiers: Orphanet 85146, MedGen C1867005, MONDO:0008407, OMIM 181400.
Dilated cardiomyopathy 1I (CMD1I). Identifiers: Orphanet 154, MedGen C1858154, MONDO:0011482, OMIM 604765.
Desmin-related myofibrillar myopathy (MFM1). Also called: Desmin related myopathy (former name); Desmin storage myopathy (former name); Myofibrillar myopathy 1; Desminopathy; MYOFIBRILLAR MYOPATHY WITH ARRHYTHMOGENIC RIGHT VENTRICULAR CARDIOMYOPATHY; DESMIN-RELATED MYOPATHY WITH ARRHYTHMOGENIC RIGHT VENTRICULAR CARDIOMYOPATHY. Identifiers: Orphanet 363543, Orphanet 98909, MedGen C1832370, MONDO:0011076, OMIM 601419.
Cardiovascular phenotype. Identifiers: MedGen CN230736.

Submissions (3):

Labcorp Genetics (formerly Invitae), Labcorp
Classification: Uncertain significance for Desmin-related myofibrillar myopathy. Last evaluated: 2026-01-12. Review status: criteria provided, single submitter. Criteria: Invitae Variant Classification Sherloc (09022015). Collection method: clinical testing. Allele origin: germline.
Comment: This sequence change replaces arginine, which is basic and polar, with cysteine, which is neutral and slightly polar, at codon 369 of the DES protein (p.Arg369Cys). Information on the frequency of this variant in the gnomAD database is not available, as this variant may be reported differently in the database. This variant has not been reported in the literature in individuals affected with DES-related conditions. ClinVar contains an entry for this variant (Variation ID: 1448587). Experimental studies and prediction algorithms are not available or were not evaluated, and the functional significance of this variant is currently unknown. In summary, the available evidence is currently insufficient to determine the role of this variant in disease. Therefore, it has been classified as a Variant of Uncertain Significance.

Ambry Genetics
Classification: Uncertain significance for Cardiovascular phenotype. Last evaluated: 2023-12-11. Review status: criteria provided, single submitter. Criteria: Ambry Variant Classification Scheme 2023. Collection method: clinical testing. Allele origin: germline.
Comment: The c.1104_1105delGCinsAT variant (also known as p.R369C), located in coding exon 6 of the DES gene, results from an in-frame deletion of GC and insertion of AT at nucleotide positions 1104 to 1105. This results in the substitution of the arginine residue for a cysteine residue at codon 369, an amino acid with highly dissimilar properties. This amino acid position is highly conserved in available vertebrate species. In addition, this alteration is predicted to be deleterious by in silico analysis. Since supporting evidence is limited at this time, the clinical significance of this alteration remains unclear.

Fulgent Genetics
Classification: Uncertain significance for Neurogenic scapuloperoneal syndrome, Kaeser type; Desmin-related myofibrillar myopathy; Dilated cardiomyopathy 1I. Last evaluated: 2021-09-03. Review status: criteria provided, single submitter. Criteria: ACMG Guidelines, 2015. Collection method: clinical testing. Allele origin: unknown.

NM_001927.4(DES):c.1104_1105delinsAT (p.Arg369Cys)

Gene: DES (desmin; plus strand). Cytogenetic location: 2q35.
Variant type: Indel.
Coding change: c.1104_1105delinsAT on transcript NM_001927.4 (MANE Select); coding-DNA positions 1104 to 1105, GC replaced by AT.
Protein change: p.Arg369Cys; replaces arginine 369 with cysteine.
Molecular consequence: missense variant. On other transcripts: intron variant (1).
Genome position (GRCh38, 1-based): chr2:219,421,420-219,421,421, GC replaced by AT. VCF-style: chr2-219421420-GC-AT. GRCh37 (hg19) VCF-style: chr2-220286142-GC-AT.
Other names: c.1101_1102delinsAT, p.Arg368Cys (NM_001382708.1); c.1035_1036delinsAT, p.Arg346Cys (NM_001382710.1); c.1083_1084delinsAT, p.Arg362Cys (NM_001382711.1); c.1104_1105delinsAT, p.Arg369Cys (NM_001382712.1); c.834_835delinsAT, p.Arg279Cys (NM_001382713.1); c.736-64_736-63delinsAT (NM_001382709.1); c.1104_1105delGCinsAT (NM_001927.3); short protein forms R346C, R279C, R368C, R362C, R369C.
Identifiers: ClinVar variation 1448587 (VCV001448587.8), dbSNP rs2125168717, ClinGen allele CA2573135387.